The following is an entry in ClinVar:

NM_006767.4(LZTR1):c.869T>G (p.Val290Gly)

Gene: LZTR1 (leucine zipper like post translational regulator 1; plus strand). Cytogenetic location: 22q11.21.
Variant type: single nucleotide variant.
Coding change: c.869T>G on transcript NM_006767.4 (MANE Select); coding-DNA position 869, T replaced by G.
Protein change: p.Val290Gly; replaces valine 290 with glycine.
Molecular consequence: missense variant.
Genome position (GRCh38, 1-based): chr22:20,991,705, T>G. VCF-style: chr22-20991705-T-G. GRCh37 (hg19) VCF-style: chr22-21345994-T-G.
Other names: short protein forms V290G.
Identifiers: ClinVar variation 4615598 (VCV004615598.1).
Genomic context (GRCh38, chr22:20,991,705, plus strand): 5'-CTGAACACCTGCTCCGGGGCTCCCCACCACCCCCGCAGCGGCGCTACGGGCATACCATGG[T>G]GGCCTTTGACCGCCACCTCTATGTGTTTGGGGGTGCGGCCGACAACACGCTGCCCAACGA-3'
Protein context (NP_006758.2, residues 280-300): PPQRRYGHTM[Val290Gly]AFDRHLYVFG

ClinVar aggregate classification (germline): Uncertain significance (1 of 4 stars; one submission).

Conditions:
Cardiovascular phenotype. Identifiers: MedGen CN230736.
Hereditary cancer-predisposing syndrome. Also called: Neoplastic Syndromes, Hereditary; Tumor predisposition; Hereditary Cancer Syndrome; Hereditary neoplastic syndrome. Identifiers: Orphanet 140162, MedGen C0027672, MeSH D009386, MONDO:0015356.

Submission:

Ambry Genetics
Classification: Uncertain significance for Cardiovascular phenotype; Hereditary cancer-predisposing syndrome. Last evaluated: 2025-10-21. Review status: criteria provided, single submitter. Criteria: Ambry Variant Classification Scheme 2023. Collection method: clinical testing. Allele origin: germline.
Comment: The p.V290G variant (also known as c.869T>G), located in coding exon 9 of the LZTR1 gene, results from a T to G substitution at nucleotide position 869. The valine at codon 290 is replaced by glycine, an amino acid with dissimilar properties. This amino acid position is conserved. In addition, this alteration is predicted to be deleterious by in silico analysis. Based on the available evidence, the clinical significance of this variant remains unclear.